The following is an entry in ClinVar:

NM_002076.4(GNS):c.1370C>T (p.Thr457Ile)

Gene: GNS (glucosamine (N-acetyl)-6-sulfatase; minus strand). Cytogenetic location: 12q14.3.
Variant type: single nucleotide variant.
Coding change: c.1370C>T on transcript NM_002076.4 (MANE Select); coding-DNA position 1370, C replaced by T.
Protein change: p.Thr457Ile; replaces threonine 457 with isoleucine.
Molecular consequence: missense variant.
Genome position (GRCh38, 1-based): chr12:64,721,644, G>A on the plus strand (C>T on the coding strand, the complement: GNS is on the minus strand). VCF-style: chr12-64721644-G-A. GRCh37 (hg19) VCF-style: chr12-65115424-G-A.
Other names: short protein forms T457I.
Identifiers: ClinVar variation 1355975 (VCV001355975.6), dbSNP rs2136237284, ClinGen allele CA385602023.
Genomic context (GRCh38, chr12:64,721,644, plus strand): 5'-GTCCCTCTTACCTCCTGGTCATCAAACTCGCAATACTGCAAATTCCACAATGCTGACATT[G>A]TCCTCACACAGGCATAGGTATTGTTATAAGCATCTTCACATACACAGTCTGGGAAGCATT-3'
Protein context (NP_002067.1, residues 447-467): AYNNTYACVR[Thr457Ile]MSALWNLQYC

ClinVar aggregate classification (germline): Uncertain significance (1 of 4 stars; one submission).

Conditions:
Mucopolysaccharidosis, MPS-III-D (MPS3D). Also called: Mucopoly-saccharidosis type 3D; N-acetylglucosamine-6-sulfate sulfatase deficiency; MPS 3D; MPS IIID (Sanfilippo Syndrome Type D); MUCOPOLYSACCHARIDOSIS, TYPE IIID; N-ACETYLGLUCOSAMINE-6-SULFATASE DEFICIENCY. Identifiers: Orphanet 581, Orphanet 79272, MedGen C0086650, MONDO:0009658, OMIM 252940.

Submission:

Labcorp Genetics (formerly Invitae), Labcorp
Classification: Uncertain significance for Mucopolysaccharidosis, MPS-III-D. Last evaluated: 2022-06-04. Review status: criteria provided, single submitter. Criteria: Invitae Variant Classification Sherloc (09022015). Collection method: clinical testing. Allele origin: germline.
Comment: In summary, the available evidence is currently insufficient to determine the role of this variant in disease. Therefore, it has been classified as a Variant of Uncertain Significance. Algorithms developed to predict the effect of missense changes on protein structure and function are either unavailable or do not agree on the potential impact of this missense change (SIFT: "Deleterious"; PolyPhen-2: "Possibly Damaging"; Align-GVGD: "Class C15"). ClinVar contains an entry for this variant (Variation ID: 1355975). This variant has not been reported in the literature in individuals affected with GNS-related conditions. This variant is not present in population databases (gnomAD no frequency). This sequence change replaces threonine, which is neutral and polar, with isoleucine, which is neutral and non-polar, at codon 457 of the GNS protein (p.Thr457Ile).